The following is an entry in ClinVar:

NM_001845.6(COL4A1):c.1967C>T (p.Ser656Phe)

Gene: COL4A1 (collagen type IV alpha 1 chain; minus strand). Cytogenetic location: 13q34.
Variant type: single nucleotide variant.
Coding change: c.1967C>T on transcript NM_001845.6 (MANE Select); coding-DNA position 1967, C replaced by T.
Protein change: p.Ser656Phe; replaces serine 656 with phenylalanine.
Molecular consequence: missense variant.
Genome position (GRCh38, 1-based): chr13:110,183,207, G>A on the plus strand (C>T on the coding strand, the complement: COL4A1 is on the minus strand). VCF-style: chr13-110183207-G-A. GRCh37 (hg19) VCF-style: chr13-110835554-G-A.
Other names: short protein forms S656F.
Identifiers: ClinVar variation 4005361 (VCV004005361.2).

ClinVar aggregate classification (germline): Uncertain significance. Review status: criteria provided, multiple submitters, no conflicts (2 of 4 stars). 2 submissions from 2 submitters: Uncertain significance (2). Last evaluated 2025-05-23.

Conditions:
Inborn genetic diseases. Identifiers: MedGen C0950123, MeSH D030342.

gnomAD v4.1: 2 of 1,613,934 alleles (0.00012%); highest among the groups gnomAD compares: East Asian, 0.0045%; no homozygotes.

Submissions (2):

Ambry Genetics
Classification: Uncertain significance for Inborn genetic diseases. Last evaluated: 2025-05-23. Review status: criteria provided, single submitter. Criteria: Ambry Variant Classification Scheme 2023. Collection method: clinical testing. Allele origin: germline.

Labcorp Genetics (formerly Invitae), Labcorp
Classification: Uncertain significance. Last evaluated: 2025-03-12. Review status: criteria provided, single submitter. Criteria: Invitae Variant Classification Sherloc (09022015). Collection method: clinical testing. Allele origin: germline.
Comment: This sequence change replaces serine, which is neutral and polar, with phenylalanine, which is neutral and non-polar, at codon 656 of the COL4A1 protein (p.Ser656Phe). This variant is present in population databases (rs753481108, gnomAD 0.006%). This variant has not been reported in the literature in individuals affected with COL4A1-related conditions. Invitae Evidence Modeling of protein sequence and biophysical properties (such as structural, functional, and spatial information, amino acid conservation, physicochemical variation, residue mobility, and thermodynamic stability) indicates that this missense variant is not expected to disrupt COL4A1 protein function with a negative predictive value of 95%. In summary, the available evidence is currently insufficient to determine the role of this variant in disease. Therefore, it has been classified as a Variant of Uncertain Significance.